The following is an entry in ClinVar:

NM_004958.4(MTOR):c.7400C>T (p.Ala2467Val)

Gene: MTOR (mechanistic target of rapamycin kinase; minus strand). Cytogenetic location: 1p36.22.
Variant type: single nucleotide variant.
Coding change: c.7400C>T on transcript NM_004958.4 (MANE Select); coding-DNA position 7400, C replaced by T.
Protein change: p.Ala2467Val; replaces alanine 2467 with valine.
Molecular consequence: missense variant.
Genome position (GRCh38, 1-based): chr1:11,109,696, G>A on the plus strand (C>T on the coding strand, the complement: MTOR is on the minus strand). VCF-style: chr1-11109696-G-A. GRCh37 (hg19) VCF-style: chr1-11169753-G-A.
Other names: c.7400C>T, p.Ala2467Val (NM_001386500.1); c.6152C>T, p.Ala2051Val (NM_001386501.1); short protein forms A2051V, A2467V.
Identifiers: ClinVar variation 3633467 (VCV003633467.2).

ClinVar aggregate classification (germline): Uncertain significance (1 of 4 stars; one submission).

Submission:

Labcorp Genetics (formerly Invitae), Labcorp
Classification: Uncertain significance. Last evaluated: 2024-09-26. Review status: criteria provided, single submitter. Criteria: Invitae Variant Classification Sherloc (09022015). Collection method: clinical testing. Allele origin: germline.
Comment: This sequence change replaces alanine, which is neutral and non-polar, with valine, which is neutral and non-polar, at codon 2467 of the MTOR protein (p.Ala2467Val). This variant is not present in population databases (gnomAD no frequency). This variant has not been reported in the literature in individuals affected with MTOR-related conditions. Invitae Evidence Modeling of protein sequence and biophysical properties (such as structural, functional, and spatial information, amino acid conservation, physicochemical variation, residue mobility, and thermodynamic stability) has been performed for this missense variant. However, the output from this modeling did not meet the statistical confidence thresholds required to predict the impact of this variant on MTOR protein function. In summary, the available evidence is currently insufficient to determine the role of this variant in disease. Therefore, it has been classified as a Variant of Uncertain Significance.